The following is an entry in ClinVar:

ClinVar aggregate classification (germline): Uncertain significance. Review status: criteria provided, multiple submitters, no conflicts (2 of 4 stars). 2 submissions from 2 submitters: Uncertain significance (2). Last evaluated 2023-10-03.

Conditions:
TNF receptor-associated periodic fever syndrome (TRAPS) (FPF). Also called: FAMILIAL HIBERNIAN FEVER; TNF RECEPTOR-ASSOCIATED PERIODIC SYNDROME; TUMOR NECROSIS FACTOR RECEPTOR-ASSOCIATED PERIODIC SYNDROME; Autosomal Dominant Familial Periodic Fever; TNF Receptor-Associated Periodic Fever Syndrome; TNF receptor 1-associated periodic fever syndrome. Identifiers: Orphanet 32960, MedGen C1275126, MONDO:0007727, OMIM 142680.

gnomAD v4.1: 3 of 1,613,988 alleles (0.00019%); highest among the groups gnomAD compares: Non-Finnish European, 0.00025%; no homozygotes.

Submissions (2):

Labcorp Genetics (formerly Invitae), Labcorp
Classification: Uncertain significance for TNF receptor-associated periodic fever syndrome (TRAPS). Last evaluated: 2023-10-03. Review status: criteria provided, single submitter. Criteria: Invitae Variant Classification Sherloc (09022015). Collection method: clinical testing. Allele origin: germline.
Comment: This sequence change replaces leucine, which is neutral and non-polar, with valine, which is neutral and non-polar, at codon 227 of the TNFRSF1A protein (p.Leu227Val). This variant is not present in population databases (gnomAD no frequency). This variant has not been reported in the literature in individuals affected with TNFRSF1A-related conditions. Algorithms developed to predict the effect of missense changes on protein structure and function output the following: SIFT: "Not Available"; PolyPhen-2: "Benign"; Align-GVGD: "Not Available". The valine amino acid residue is found in multiple mammalian species, which suggests that this missense change does not adversely affect protein function. In summary, the available evidence is currently insufficient to determine the role of this variant in disease. Therefore, it has been classified as a Variant of Uncertain Significance.

GeneDx
Classification: Uncertain significance. Last evaluated: 2023-04-21. Review status: criteria provided, single submitter. Criteria: GeneDx Variant Classification Process June 2021. Collection method: clinical testing. Allele origin: germline. Affected: yes.
Comment: Not observed at significant frequency in large population cohorts (gnomAD); In silico analysis supports that this missense variant does not alter protein structure/function; Has not been previously published as pathogenic or benign to our knowledge; Also known as p.(L198V)

NM_001065.4(TNFRSF1A):c.679C>G (p.Leu227Val)

Gene: TNFRSF1A (TNF receptor superfamily member 1A; minus strand). Cytogenetic location: 12p13.31.
Variant type: single nucleotide variant.
Coding change: c.679C>G on transcript NM_001065.4 (MANE Select); coding-DNA position 679, C replaced by G.
Protein change: p.Leu227Val; replaces leucine 227 with valine.
Molecular consequence: missense variant. On other transcripts: non-coding transcript variant (1).
Genome position (GRCh38, 1-based): chr12:6,330,658, G>C on the plus strand (C>G on the coding strand, the complement: TNFRSF1A is on the minus strand). VCF-style: chr12-6330658-G-C. GRCh37 (hg19) VCF-style: chr12-6439824-G-C.
Other names: c.355C>G, p.Leu119Val (NM_001346091.2); c.220C>G, p.Leu74Val (NM_001346092.2); short protein forms L119V, L227V, L74V.
Identifiers: ClinVar variation 2663662 (VCV002663662.4), dbSNP rs1382851653, ClinGen allele CA383547677.